The following is an entry in ClinVar:

NM_000875.5(IGF1R):c.2265G>T (p.Arg755Ser)

Gene: IGF1R (insulin like growth factor 1 receptor; plus strand). Cytogenetic location: 15q26.3.
Variant type: single nucleotide variant.
Coding change: c.2265G>T on transcript NM_000875.5 (MANE Select); coding-DNA position 2265, G replaced by T.
Protein change: p.Arg755Ser; replaces arginine 755 with serine.
Molecular consequence: missense variant.
Genome position (GRCh38, 1-based): chr15:98,922,211, G>T. VCF-style: chr15-98922211-G-T. GRCh37 (hg19) VCF-style: chr15-99465440-G-T.
Other names: c.2265G>T, p.Arg755Ser (NM_001291858.2); short protein forms R755S.
Identifiers: ClinVar variation 2958407 (VCV002958407.3), dbSNP rs767593583, ClinGen allele CA7752356.
Genomic context (GRCh38, chr15:98,922,211, plus strand): 5'-TGAAAGGAAGCGGAGAGATGTCATGCAAGTGGCCAACACCACCATGTCCAGCCGAAGCAG[G>T]AACACCACGGCCGCAGACACCTACAACATCACCGACCCGGAAGAGCTGGAGACAGAGTAC-3'
Protein context (NP_000866.1, residues 745-765): VANTTMSSRS[Arg755Ser]NTTAADTYNI

ClinVar aggregate classification (germline): Uncertain significance (1 of 4 stars; one submission).

Allele frequency attached by ClinVar (database versions not stated): ExAC 0.00001; gnomAD exomes 0.00001.
gnomAD v4.1: 12 of 1,614,186 alleles (0.00074%); highest among the groups gnomAD compares: Admixed American, 0.0033%; no homozygotes.

Submission:

Labcorp Genetics (formerly Invitae), Labcorp
Classification: Uncertain significance. Last evaluated: 2023-10-29. Review status: criteria provided, single submitter. Criteria: Invitae Variant Classification Sherloc (09022015). Collection method: clinical testing. Allele origin: germline.
Comment: This sequence change replaces arginine, which is basic and polar, with serine, which is neutral and polar, at codon 755 of the IGF1R protein (p.Arg755Ser). This variant is present in population databases (rs767593583, gnomAD 0.006%). This variant has not been reported in the literature in individuals affected with IGF1R-related conditions. Advanced modeling of protein sequence and biophysical properties (such as structural, functional, and spatial information, amino acid conservation, physicochemical variation, residue mobility, and thermodynamic stability) performed at Invitae indicates that this missense variant is not expected to disrupt IGF1R protein function with a negative predictive value of 80%. In summary, the available evidence is currently insufficient to determine the role of this variant in disease. Therefore, it has been classified as a Variant of Uncertain Significance.